The following is an entry in ClinVar:

ClinVar aggregate classification (germline): Uncertain significance (1 of 4 stars; one submission).

Conditions:
Hereditary breast ovarian cancer syndrome. Also called: BRCA1- and BRCA2-Associated Hereditary Breast and Ovarian Cancer; Hereditary breast and ovarian cancer; Hereditary breast and ovarian cancer syndrome; Hereditary breast and ovarian cancer syndrome (HBOC); Breast and ovarian cancer; Hereditary breast and/or ovarian cancer syndrome. Identifiers: Orphanet 145, MedGen C0677776, MeSH D061325, MONDO:0003582. Disease mechanism: loss of function.

gnomAD v4.1: 1 of 1,614,158 alleles (0.000062%); highest among the groups gnomAD compares: Non-Finnish European, 0.000085%; no homozygotes.

Submission:

Labcorp Genetics (formerly Invitae), Labcorp
Classification: Uncertain significance for Hereditary breast ovarian cancer syndrome. Last evaluated: 2021-05-20. Review status: criteria provided, single submitter. Criteria: Invitae Variant Classification Sherloc (09022015). Collection method: clinical testing. Allele origin: germline.
Comment: In summary, the available evidence is currently insufficient to determine the role of this variant in disease. Therefore, it has been classified as a Variant of Uncertain Significance. Advanced modeling of protein sequence and biophysical properties (such as structural, functional, and spatial information, amino acid conservation, physicochemical variation, residue mobility, and thermodynamic stability) performed at Invitae indicates that this missense variant is not expected to disrupt BRCA2 protein function. This variant has not been reported in the literature in individuals with BRCA2-related conditions. This variant is not present in population databases (ExAC no frequency). This sequence change replaces alanine with proline at codon 3372 of the BRCA2 protein (p.Ala3372Pro). The alanine residue is weakly conserved and there is a small physicochemical difference between alanine and proline.

NM_000059.4(BRCA2):c.10114G>C (p.Ala3372Pro)

Gene: BRCA2 (BRCA2 DNA repair associated; plus strand). Cytogenetic location: 13q13.1.
Variant type: single nucleotide variant.
Coding change: c.10114G>C on transcript NM_000059.4 (MANE Select); coding-DNA position 10114, G replaced by C.
Protein change: p.Ala3372Pro; replaces alanine 3372 with proline.
Molecular consequence: missense variant.
Genome position (GRCh38, 1-based): chr13:32,398,627, G>C. VCF-style: chr13-32398627-G-C. GRCh37 (hg19) VCF-style: chr13-32972764-G-C.
Other names: short protein forms A3372P.
Identifiers: ClinVar variation 1355742 (VCV001355742.8), dbSNP rs1555290046, ClinGen allele CA387768046.
Genomic context (GRCh38, chr13:32,398,627, plus strand): 5'-CTTTTGTCTGGTTCAACAGGAGAAAAACAATTTATATCTGTCAGTGAATCCACTAGGACT[G>C]CTCCCACCAGTTCAGAAGATTATCTCAGACTGAAACGACGTTGTACTACATCTCTGATCA-3'
Protein context (NP_000050.3, residues 3362-3382): FISVSESTRT[Ala3372Pro]PTSSEDYLRL